The following is an entry in ClinVar:

ClinVar aggregate classification (germline): Conflicting classifications of pathogenicity. Review status: criteria provided, conflicting classifications (1 of 4 stars). 5 submissions from 5 submitters: Uncertain significance (1); Likely benign (4). Last evaluated 2026-05-07.

Conditions:
CACNA1S-related disorder. Also called: CACNA1S-related condition.
Malignant hyperthermia, susceptibility to, 5 (MHS5). Also called: CACNA1S-Related Malignant Hyperthermia Susceptibility. Identifiers: Orphanet 423, MedGen C1866077, MONDO:0011163, OMIM 601887.
Hypokalemic periodic paralysis, type 1. Also called: HypoPP; Hypokalemic Periodic Paralysis Type 1 (AD). Identifiers: Orphanet 681, MedGen C3714580, MONDO:0042979, OMIM 170400.

Allele frequency attached by ClinVar (database versions not stated): ExAC 0.00004; gnomAD 0.00005; TOPMed 0.00006; gnomAD exomes 0.00007 and 0.00009; ESP Exome Variant Server 0.00015.
gnomAD v4.1: 141 of 1,613,766 alleles (0.0087%); highest among the groups gnomAD compares: Non-Finnish European, 0.011%; no homozygotes.

Submissions (5):

PreventionGenetics, part of Exact Sciences
Classification: Likely benign for CACNA1S-related condition. Last evaluated: 2026-05-07. Review status: criteria provided, single submitter. Criteria: ACMG Guidelines, 2015. Collection method: clinical testing. Allele origin: germline.
Comment: This variant is classified as likely benign based on ACMG/AMP sequence variant interpretation guidelines (Richards et al. 2015 PMID: 25741868, with internal and published modifications).

Labcorp Genetics (formerly Invitae), Labcorp
Classification: Likely benign for Hypokalemic periodic paralysis, type 1; Malignant hyperthermia, susceptibility to, 5. Last evaluated: 2025-12-01. Review status: criteria provided, single submitter. Criteria: Invitae Variant Classification Sherloc (09022015). Collection method: clinical testing. Allele origin: germline.

All of Us Research Program, National Institutes of Health
Classification: Likely benign for Malignant hyperthermia, susceptibility to, 5. Last evaluated: 2023-12-13. Review status: criteria provided, single submitter. Criteria: ACMG Guidelines, 2015. Collection method: clinical testing. Allele origin: germline. Inheritance: Autosomal dominant inheritance. Observed: 12 variant alleles, 12 heterozygotes.
Comment: This study involves interpretation of variants in research participants for the purpose of population health screening. Participant phenotype was not available at the time of variant classification. Additional details can be found in publication PMID: 35346344, PMCID: PMC8962531

Color Diagnostics, LLC DBA Color Health
Classification: Likely benign for Malignant hyperthermia, susceptibility to, 5. Last evaluated: 2022-11-06. Review status: criteria provided, single submitter. Criteria: ACMG Guidelines, 2015. Collection method: clinical testing. Allele origin: germline.

Illumina Laboratory Services, Illumina
Classification: Uncertain significance for Hypokalemic periodic paralysis, type 1. Last evaluated: 2018-01-12. Review status: criteria provided, single submitter. Criteria: ICSL Variant Classification Criteria 13 December 2019. Collection method: clinical testing. Allele origin: germline.

NM_000069.3(CACNA1S):c.2877C>T (p.Asp959=)

Gene: CACNA1S (calcium voltage-gated channel subunit alpha1 S; minus strand). Cytogenetic location: 1q32.1.
Variant type: single nucleotide variant.
Coding change: c.2877C>T on transcript NM_000069.3 (MANE Select); coding-DNA position 2877, C replaced by T.
Protein change: p.Asp959=; no amino-acid change (aspartic acid 959 retained).
Molecular consequence: synonymous variant.
Genome position (GRCh38, 1-based): chr1:201,062,491, G>A on the plus strand (C>T on the coding strand, the complement: CACNA1S is on the minus strand). VCF-style: chr1-201062491-G-A. GRCh37 (hg19) VCF-style: chr1-201031619-G-A.
Identifiers: ClinVar variation 294737 (VCV000294737.18), dbSNP rs138328785, ClinGen allele CA079358.
Genomic context (GRCh38, chr1:201,062,491, plus strand): 5'-ACCGTCCCACTGTGCTCCCTGCCCCATGTACCTGCACTCCTCCTCTGTCATCTTGGACAA[G>A]TCGGTGCACCTGAAGAACTTCCCCTGCAGCCAGGAAGAGGGAGGGAGGGAGGGAGGCATG-3'
Protein context (NP_000060.2, residues 949-969): LFKGKFFRCT[Asp959=]LSKMTEEECR